The following is an entry in ClinVar:

ClinVar aggregate classification (germline): Uncertain significance (1 of 4 stars; one submission).

Conditions:
Hereditary cancer-predisposing syndrome. Also called: Neoplastic Syndromes, Hereditary; Hereditary Cancer Syndrome; Hereditary neoplastic syndrome; Tumor predisposition. Identifiers: Orphanet 140162, MedGen C0027672, MeSH D009386, MONDO:0015356.

Allele frequency attached by ClinVar (database versions not stated): gnomAD exomes below 0.00001.

Submission:

Ambry Genetics
Classification: Uncertain significance for Hereditary cancer-predisposing syndrome. Last evaluated: 2023-04-18. Review status: criteria provided, single submitter. Criteria: Ambry Variant Classification Scheme 2023. Collection method: clinical testing. Allele origin: germline.
Comment: The p.K438Q variant (also known as c.1312A>C), located in coding exon 12 of the TSC2 gene, results from an A to C substitution at nucleotide position 1312. The lysine at codon 438 is replaced by glutamine, an amino acid with similar properties. This amino acid position is conserved. In addition, the in silico prediction for this alteration is inconclusive. Since supporting evidence is limited at this time, the clinical significance of this alteration remains unclear.

NM_000548.5(TSC2):c.1312A>C (p.Lys438Gln)

Gene: TSC2 (TSC complex subunit 2; plus strand). Cytogenetic location: 16p13.3.
Variant type: single nucleotide variant.
Coding change: c.1312A>C on transcript NM_000548.5 (MANE Select); coding-DNA position 1312, A replaced by C.
Protein change: p.Lys438Gln; replaces lysine 438 with glutamine.
Molecular consequence: missense variant. On other transcripts: 5 prime UTR variant (10), non-coding transcript variant (5).
Genome position (GRCh38, 1-based): chr16:2,062,551, A>C. VCF-style: chr16-2062551-A-C. GRCh37 (hg19) VCF-style: chr16-2112552-A-C.
Other names: c.1312A>C, p.Lys438Gln (NM_001077183.3, NM_001114382.3, NM_001363528.2 and 6 more transcripts); c.1201A>C, p.Lys401Gln (NM_001318827.2, NM_001406670.1, NM_001406678.1); c.1165A>C, p.Lys389Gln (NM_001318829.2, NM_001406675.1, NM_001406676.1 and 1 more transcripts); c.712A>C, p.Lys238Gln (NM_001318831.2, NM_001406680.1, NM_001406682.1 and 6 more transcripts); c.1345A>C, p.Lys449Gln (NM_001318832.2); c.1402A>C, p.Lys468Gln (NM_001406667.1, NM_001406668.1); c.1300A>C, p.Lys434Gln (NM_001406671.1, NM_001406673.1); c.1255A>C, p.Lys419Gln (NM_001406677.1); and 3 more; short protein forms K419Q, K434Q, K468Q, K238Q, K438Q, K449Q, K284Q, K389Q.
Identifiers: ClinVar variation 2564668 (VCV002564668.2), dbSNP rs2548546522, ClinGen allele CA394322255.
Genomic context (GRCh38, chr16:2,062,551, plus strand): 5'-TGACAGGAGTCCTCCCTCCTGAACCTGATCTCCTATAGAGCGCAGTCCATCCACCCGGCC[A>C]AGGACGGCTGGATTCAGAACCTGCAGGCGCTGATGGAGAGATTCTTCAGGTAGGGGGTCC-3'
Protein context (NP_000539.2, residues 428-448): SYRAQSIHPA[Lys438Gln]DGWIQNLQAL